The following is an entry in ClinVar:

ClinVar aggregate classification (germline): Uncertain significance (1 of 4 stars; one submission).

Conditions:
Inborn genetic diseases. Identifiers: MedGen C0950123, MeSH D030342.

Allele frequency attached by ClinVar (database versions not stated): ExAC 0.00001; gnomAD exomes 0.00001; TOPMed 0.00002.
gnomAD v4.1: 13 of 1,613,282 alleles (0.00081%); highest among the groups gnomAD compares: Middle Eastern, 0.017%; no homozygotes.

Submission:

Ambry Genetics
Classification: Uncertain significance for Inborn genetic diseases. Last evaluated: 2025-04-24. Review status: criteria provided, single submitter. Criteria: Ambry Variant Classification Scheme 2023. Collection method: clinical testing. Allele origin: germline.
Comment: The p.R969H variant (also known as c.2906G>A), located in coding exon 21 of the MIB1 gene, results from a G to A substitution at nucleotide position 2906. The arginine at codon 969 is replaced by histidine, an amino acid with highly similar properties. This amino acid position is conserved. In addition, the in silico prediction for this alteration is inconclusive. Since supporting evidence is limited at this time, the clinical significance of this alteration remains unclear.

NM_020774.4(MIB1):c.2906G>A (p.Arg969His)

Gene: MIB1 (MIB E3 ubiquitin protein ligase 1; plus strand). Cytogenetic location: 18q11.2.
Variant type: single nucleotide variant.
Coding change: c.2906G>A on transcript NM_020774.4 (MANE Select); coding-DNA position 2906, G replaced by A.
Protein change: p.Arg969His; replaces arginine 969 with histidine.
Molecular consequence: missense variant.
Genome position (GRCh38, 1-based): chr18:21,864,551, G>A. VCF-style: chr18-21864551-G-A. GRCh37 (hg19) VCF-style: chr18-19444512-G-A.
Other names: short protein forms R969H.
Identifiers: ClinVar variation 2497134 (VCV002497134.3), dbSNP rs769090925, ClinGen allele CA8908745.